The following is an entry in ClinVar:

ClinVar aggregate classification (germline): Uncertain significance. Review status: criteria provided, multiple submitters, no conflicts (2 of 4 stars). 2 submissions from 2 submitters: Uncertain significance (2). Last evaluated 2023-02-26.

Conditions:
Hereditary sensory and autonomic neuropathy. Identifiers: Orphanet 140471, MedGen C0027889, MONDO:0015364.
Congenital insensitivity to pain-hypohidrosis syndrome. Also called: HSAN VIII; Neuropathy, hereditary sensory and autonomic, type VIII. Identifiers: Orphanet 478664, MedGen C4225308, MONDO:0014662, OMIM 616488.

Submissions (2):

Department of Pathology and Laboratory Medicine, Sinai Health System
Classification: Uncertain significance for hereditary sensory and autonomic neuropathy. Last evaluated: 2023-02-26. Review status: criteria provided, single submitter. Criteria: ACMG Guidelines, 2015. Collection method: research. Allele origin: germline.

Labcorp Genetics (formerly Invitae), Labcorp
Classification: Uncertain significance for Congenital insensitivity to pain-hypohidrosis syndrome. Last evaluated: 2020-03-24. Review status: criteria provided, single submitter. Criteria: Invitae Variant Classification Sherloc (09022015). Collection method: clinical testing. Allele origin: germline.
Comment: This variant, c.1062_1076dup, results in the insertion of 5 amino acid(s) to the PRDM12 protein (p.Ala355_Ala359dup), but otherwise preserves the integrity of the reading frame. In summary, the available evidence is currently insufficient to determine the role of this variant in disease. Therefore, it has been classified as a Variant of Uncertain Significance. Experimental studies and prediction algorithms are not available for this variant, and the functional significance of the affected amino acid(s) is currently unknown. This variant has not been reported in the literature in individuals with PRDM12-related conditions. The frequency data for this variant in the population databases is considered unreliable, as metrics indicate insufficient coverage at this position in the ExAC database.

NM_021619.3(PRDM12):c.1041CGC[17] (p.Ala355_Ala359dup)

Gene: PRDM12 (PR/SET domain 12; plus strand). Cytogenetic location: 9q34.12.
Variant type: Microsatellite.
Coding change: c.1041CGC[17] on transcript NM_021619.3 (MANE Select); 17 copies in a row of the 3-base unit CGC starting at c.1041; the reference has 12 copies in a row; five copies, 15 bases duplicated.
Protein change: p.Ala355_Ala359dup.
Molecular consequence: inframe insertion.
Genome position (GRCh38, 1-based): chr9:130,681,627-130,681,641, CGCCGCCGCCGCCGC duplicated; duplicating any 15 consecutive bases within chr9:130,681,606-130,681,641 gives the same sequence; the position shown is the placement nearest the transcript's 3' end. VCF-style (leftmost placement, unchanged base first): chr9-130681605-T-TCGCCGCCGCCGCCGC. GRCh37 (hg19) VCF-style: chr9-133556992-T-TCGCCGCCGCCGCCGC.
Identifiers: ClinVar variation 848087 (VCV000848087.7), dbSNP rs752427775, ClinGen allele CA860448181.